The following is an entry in ClinVar:

ClinVar aggregate classification (germline): Likely benign (1 of 4 stars; one submission).

Allele frequency attached by ClinVar (database versions not stated): gnomAD 0.00001; TOPMed 0.00001; ExAC 0.00002.
gnomAD v4.1: 35 of 1,613,780 alleles (0.0022%); highest among the groups gnomAD compares: Non-Finnish European, 0.0029%; no homozygotes.

Submission:

CeGaT Center for Human Genetics Tuebingen
Classification: Likely benign. Last evaluated: 2026-08-01. Review status: criteria provided, single submitter. Criteria: CeGaT Center For Human Genetics Tuebingen Variant Classification Criteria Version 2. Collection method: clinical testing. Allele origin: germline. Affected: yes. Observed: 2 variant alleles.
Comment: ASH1L: BP4

NM_018489.3(ASH1L):c.5440G>A (p.Asp1814Asn)

Gene: ASH1L (ASH1 like histone lysine methyltransferase; minus strand). Cytogenetic location: 1q22.
Variant type: single nucleotide variant.
Coding change: c.5440G>A on transcript NM_018489.3 (MANE Select); coding-DNA position 5440, G replaced by A.
Protein change: p.Asp1814Asn; replaces aspartic acid 1814 with asparagine.
Molecular consequence: missense variant.
Genome position (GRCh38, 1-based): chr1:155,438,715, C>T on the plus strand (G>A on the coding strand, the complement: ASH1L is on the minus strand). VCF-style: chr1-155438715-C-T. GRCh37 (hg19) VCF-style: chr1-155408506-C-T.
Other names: c.5440G>A, p.Asp1814Asn (NM_001366177.2); short protein forms D1814N.
Identifiers: ClinVar variation 2639412 (VCV002639412.24), dbSNP rs759173972, ClinGen allele CA1146745.